The following is an entry in ClinVar:

ClinVar aggregate classification (germline): Conflicting classifications of pathogenicity. Review status: criteria provided, conflicting classifications (1 of 4 stars). 4 submissions from 4 submitters: Uncertain significance (1); Likely benign (3). Last evaluated 2026-01-20.

Conditions:
PLEC-related disorder. Also called: PLEC-related disorders; PLEC-related condition.
Epidermolysis bullosa simplex with nail dystrophy (EBS5D). Identifiers: MedGen C4225309, MONDO:0014661, OMIM 616487.
Epidermolysis bullosa simplex, Ogna type (EBS5A). Also called: Pidermolysis bullosa simplex 5A, Ogna type; EPIDERMOLYSIS BULLOSA SIMPLEX 5A, OGNA TYPE. Identifiers: Orphanet 79401, MedGen C0432317, MONDO:0007555, OMIM 131950.
Epidermolysis bullosa simplex 5C, with pyloric atresia (EBS5C). Also called: PLEC1-Related Epidermolysis Bullosa with Pyloric Atresia; PLEC-Related Epidermolysis Bullosa with Pyloric Atresia; Epidermolysis bullosa simplex with pyloric atresia. Identifiers: Orphanet 158684, MedGen C2677349, MONDO:0012807, OMIM 612138.
Epidermolysis bullosa simplex 5B, with muscular dystrophy (EBS5B). Also called: Epidermolysis bullosa simplex with muscular dystrophy; EPIDERMOLYSIS BULLOSA SIMPLEX AND LIMB-GIRDLE MUSCULAR DYSTROPHY. Identifiers: Orphanet 257, MedGen C2931072, MONDO:0009181, OMIM 226670.
Autosomal recessive limb-girdle muscular dystrophy type 2Q (LGMDR17). Also called: MUSCULAR DYSTROPHY, LIMB-GIRDLE, AUTOSOMAL RECESSIVE 17. Identifiers: Orphanet 254361, MedGen C3150989, MONDO:0013390, OMIM 613723.

Allele frequency attached by ClinVar (database versions not stated): ExAC 0.00011; 1000 Genomes Project 30x 0.00016; TOPMed 0.00016; 1000 Genomes Project 0.00020; gnomAD 0.00006 and 0.00008; gnomAD exomes 0.00006 and 0.00009.
gnomAD v4.1: 102 of 1,604,606 alleles (0.0064%); highest among the groups gnomAD compares: South Asian, 0.047%; 1 homozygote.

Submissions (4):

Labcorp Genetics (formerly Invitae), Labcorp
Classification: Likely benign for Autosomal recessive limb-girdle muscular dystrophy type 2Q; Epidermolysis bullosa simplex, Ogna type; Epidermolysis bullosa simplex with nail dystrophy; Epidermolysis bullosa simplex 5C, with pyloric atresia; Epidermolysis bullosa simplex 5B, with muscular dystrophy. Last evaluated: 2026-01-20. Review status: criteria provided, single submitter. Criteria: Invitae Variant Classification Sherloc (09022015). Collection method: clinical testing. Allele origin: germline.

CeGaT Center for Human Genetics Tuebingen
Classification: Likely benign. Last evaluated: 2025-11-01. Review status: criteria provided, single submitter. Criteria: CeGaT Center For Human Genetics Tuebingen Variant Classification Criteria Version 2. Collection method: clinical testing. Allele origin: germline. Affected: yes. Observed: 1 variant allele.
Comment: PLEC: BP4, BP7

PreventionGenetics, part of Exact Sciences
Classification: Likely benign for PLEC-related condition. Last evaluated: 2025-03-12. Review status: criteria provided, single submitter. Criteria: ACMG Guidelines, 2015. Collection method: clinical testing. Allele origin: germline.
Comment: This variant is classified as likely benign based on ACMG/AMP sequence variant interpretation guidelines (Richards et al. 2015 PMID: 25741868, with internal and published modifications).

Eurofins Ntd Llc (ga)
Classification: Uncertain significance. Last evaluated: 2018-09-14. Review status: criteria provided, single submitter. Criteria: EGL ClinVar v180209 classification definitions. Collection method: clinical testing. Allele origin: germline. Observed: 2 variant alleles, 2 heterozygotes.

NM_201384.3(PLEC):c.12711G>A (p.Ser4237=)

Gene: PLEC (plectin; minus strand). Cytogenetic location: 8q24.3.
Variant type: single nucleotide variant.
Coding change: c.12711G>A on transcript NM_201384.3 (MANE Select); coding-DNA position 12711, G replaced by A.
Protein change: p.Ser4237=; no amino-acid change (serine 4237 retained).
Molecular consequence: synonymous variant.
Genome position (GRCh38, 1-based): chr8:143,917,110, C>T on the plus strand (G>A on the coding strand, the complement: PLEC is on the minus strand). VCF-style: chr8-143917110-C-T. GRCh37 (hg19) VCF-style: chr8-144991278-C-T.
Other names: c.12792G>A (NM_000445.4); c.12792G>A, p.Ser4264= (NM_000445.5); c.12669G>A, p.Ser4223= (NM_201378.4); c.12645G>A, p.Ser4215= (NM_201379.3); c.13122G>A, p.Ser4374= (NM_201380.4); c.12615G>A, p.Ser4205= (NM_201381.3); c.12711G>A, p.Ser4237= (NM_201382.4); c.12723G>A, p.Ser4241= (NM_201383.3).
Identifiers: ClinVar variation 592807 (VCV000592807.19), dbSNP rs548342396, ClinGen allele CA4924002.